The following is an entry in ClinVar:

ClinVar aggregate classification (germline): Conflicting classifications of pathogenicity. Review status: criteria provided, conflicting classifications (1 of 4 stars). 10 submissions from 9 submitters: Uncertain significance (2); Likely benign (7). 1 of the submissions does not count toward it. Last evaluated 2026-02-01.

Conditions:
RYR1-related disorder. Also called: RYR1-related condition; RYR1-related disorders. Identifiers: MedGen CN239331.
Congenital multicore myopathy with external ophthalmoplegia (CMYO1B). Also called: Minicore myopathy with external ophthalmoplegia; MULTIMINICORE DISEASE WITH EXTERNAL OPHTHALMOPLEGIA; Congenital myopathy 1B, autosomal recessive; Minicore myopathy; MULTICORE MYOPATHY. Identifiers: Orphanet 598, Orphanet 98905, MedGen C1850674, MONDO:0009712, OMIM 255320, HP:0003789.
Malignant hyperthermia, susceptibility to, 1 (MHS1). Also called: Malignant hyperthermia suceptibility 1; RYR1-Related Malignant Hyperthermia Susceptibility; Anesthesia related hyperthermia; Malignant hyperpyrexia; Fulminating hyperpyrexia; Pharmacogenic myopathy. Identifiers: Orphanet 423, MedGen C2930980, MONDO:0007783, OMIM 145600.

Allele frequency attached by ClinVar (database versions not stated): ESP Exome Variant Server 0.00008; gnomAD exomes 0.00017; TOPMed 0.00027; gnomAD 0.00080.

Submissions (10):

CeGaT Center for Human Genetics Tuebingen
Classification: Likely benign. Last evaluated: 2026-02-01. Review status: criteria provided, single submitter. Criteria: CeGaT Center For Human Genetics Tuebingen Variant Classification Criteria Version 2. Collection method: clinical testing. Allele origin: germline. Affected: yes. Observed: 14 variant alleles.
Comment: RYR1: BP4, BP7

Labcorp Genetics (formerly Invitae), Labcorp
Classification: Likely benign for RYR1-related disorder. Last evaluated: 2025-12-08. Review status: criteria provided, single submitter. Criteria: Invitae Variant Classification Sherloc (09022015). Collection method: clinical testing. Allele origin: germline.

Laboratory of Genetics, Children's Clinical University Hospital Latvia
Classification: Likely benign. Last evaluated: 2025-02-16. Review status: criteria provided, single submitter. Criteria: ACMG Guidelines, 2015. Collection method: clinical testing. Allele origin: germline. Affected: yes.

Blueprint Genetics
Classification: Likely benign. Last evaluated: 2024-10-31. Review status: criteria provided, single submitter. Criteria: ACMG Guidelines, 2015. Collection method: clinical testing. Allele origin: germline.

All of Us Research Program, National Institutes of Health
Classification: Likely benign for Malignant hyperthermia, susceptibility to, 1. Last evaluated: 2024-02-05. Review status: criteria provided, single submitter. Criteria: ACMG Guidelines, 2015. Collection method: clinical testing. Allele origin: germline. Inheritance: Autosomal dominant inheritance. Observed: 74 variant alleles, 74 heterozygotes.
Comment: This study involves interpretation of variants in research participants for the purpose of population health screening. Participant phenotype was not available at the time of variant classification. Additional details can be found in publication PMID: 35346344, PMCID: PMC8962531

Color Diagnostics, LLC DBA Color Health
Classification: Likely benign for Malignant hyperthermia, susceptibility to, 1. Last evaluated: 2022-05-06. Review status: criteria provided, single submitter. Criteria: ACMG Guidelines, 2015. Collection method: clinical testing. Allele origin: germline.

GeneDx
Classification: Likely benign. Last evaluated: 2021-03-08. Review status: criteria provided, single submitter. Criteria: GeneDx Variant Classification Process June 2021. Collection method: clinical testing. Allele origin: germline. Affected: yes.

Illumina Laboratory Services, Illumina
Classification: Uncertain significance for Malignant hyperthermia, susceptibility to, 1. Last evaluated: 2018-01-13. Review status: criteria provided, single submitter. Criteria: ICSL Variant Classification Criteria 13 December 2019. Collection method: clinical testing. Allele origin: germline.

Illumina Laboratory Services, Illumina
Classification: Uncertain significance for Congenital multicore myopathy with external ophthalmoplegia. Last evaluated: 2018-01-13. Review status: criteria provided, single submitter. Criteria: ICSL Variant Classification Criteria 13 December 2019. Collection method: clinical testing. Allele origin: germline.

PreventionGenetics, part of Exact Sciences
Classification: Likely benign for RYR1-related condition. Last evaluated: 2019-07-03. Review status: no assertion criteria provided. Collection method: clinical testing. Allele origin: germline. Not counted in ClinVar's aggregate classification.
Comment: This variant is classified as likely benign based on ACMG/AMP sequence variant interpretation guidelines (Richards et al. 2015 PMID: 25741868, with internal and published modifications).

NM_000540.3(RYR1):c.7536C>T (p.Ile2512=)

Gene: RYR1 (ryanodine receptor 1; plus strand). Cytogenetic location: 19q13.2.
Variant type: single nucleotide variant.
Coding change: c.7536C>T on transcript NM_000540.3 (MANE Select); coding-DNA position 7536, C replaced by T.
Protein change: p.Ile2512=; no amino-acid change (isoleucine 2512 retained).
Molecular consequence: synonymous variant.
Genome position (GRCh38, 1-based): chr19:38,500,912, C>T. VCF-style: chr19-38500912-C-T. GRCh37 (hg19) VCF-style: chr19-38991552-C-T.
Other names: c.7536C>T, p.Ile2512= (NM_001042723.2).
Identifiers: ClinVar variation 329064 (VCV000329064.63), dbSNP rs368560744, ClinGen allele CA069757.